The following is an entry in ClinVar:

NM_182961.4(SYNE1):c.14147G>A (p.Cys4716Tyr)

Gene: SYNE1 (spectrin repeat containing nuclear envelope protein 1; minus strand). Cytogenetic location: 6q25.2.
Variant type: single nucleotide variant.
Coding change: c.14147G>A on transcript NM_182961.4 (MANE Select); coding-DNA position 14147, G replaced by A.
Protein change: p.Cys4716Tyr; replaces cysteine 4716 with tyrosine.
Molecular consequence: missense variant.
Genome position (GRCh38, 1-based): chr6:152,330,538, C>T on the plus strand (G>A on the coding strand, the complement: SYNE1 is on the minus strand). VCF-style: chr6-152330538-C-T. GRCh37 (hg19) VCF-style: chr6-152651673-C-T.
Other names: c.13934G>A, p.Cys4645Tyr (NM_033071.5); short protein forms C4645Y, C4716Y.
Identifiers: ClinVar variation 451683 (VCV000451683.11), dbSNP rs1346910826, ClinGen allele CA366098632.
Genomic context (GRCh38, chr6:152,330,538, plus strand): 5'-TTCTGGTTCAGTTCATCCACCGCCTCCCCAAGGCCCGCCACCTCGTCCAGAATGGCTCTG[C>T]AACCATCTTGCAGAGAAAGAGCCTCCTCAACGGCCAGGTCGGTGGGAACTTTGCTCATCC-3'
Protein context (NP_892006.3, residues 4706-4726): VEEALSLQDG[Cys4716Tyr]RAILDEVAGL

ClinVar aggregate classification (germline): Uncertain significance. Review status: criteria provided, multiple submitters, no conflicts (2 of 4 stars). 2 submissions from 2 submitters: Uncertain significance (2). Last evaluated 2025-11-20.

Conditions:
Emery-Dreifuss muscular dystrophy 4, autosomal dominant (EDMD4). Also called: EMERY-DREIFUSS MUSCULAR DYSTROPHY 4 WITH VARIABLE FEATURES. Identifiers: Orphanet 261, MedGen C2751807, MONDO:0013071, OMIM 612998.
Autosomal recessive ataxia, Beauce type. Also called: Spinocerebellar ataxia, autosomal recessive 8; ATAXIA, RECESSIVE, OF BEAUCE; SYNE1-Related Autosomal Recessive Cerebellar Ataxia; SYNE1 Deficiency. Identifiers: Orphanet 88644, MedGen C1853116, MONDO:0012549, OMIM 610743.

Allele frequency attached by ClinVar (database versions not stated): gnomAD exomes below 0.00001; TOPMed 0.00001.
gnomAD v4.1: 4 of 1,614,108 alleles (0.00025%); highest among the groups gnomAD compares: Non-Finnish European, 0.00034%; no homozygotes.

Submissions (2):

GeneDx
Classification: Uncertain significance. Last evaluated: 2025-11-20. Review status: criteria provided, single submitter. Criteria: GeneDx Variant Classification Process June 2021. Collection method: clinical testing. Allele origin: germline. Affected: yes.
Comment: Not observed at significant frequency in large population cohorts (gnomAD); In silico analysis suggests that this missense variant does not alter protein structure/function; Has not been previously published as pathogenic or benign to our knowledge

Labcorp Genetics (formerly Invitae), Labcorp
Classification: Uncertain significance for Emery-Dreifuss muscular dystrophy 4, autosomal dominant; Autosomal recessive ataxia, Beauce type. Last evaluated: 2020-07-08. Review status: criteria provided, single submitter. Criteria: Invitae Variant Classification Sherloc (09022015). Collection method: clinical testing. Allele origin: germline.
Comment: Algorithms developed to predict the effect of missense changes on protein structure and function output the following: SIFT: "Tolerated"; PolyPhen-2: "Benign"; Align-GVGD: "Class C0". The tyrosine amino acid residue is found in multiple mammalian species, suggesting that this missense change does not adversely affect protein function. These predictions have not been confirmed by published functional studies and their clinical significance is uncertain. In summary, the available evidence is currently insufficient to determine the role of this variant in disease. Therefore, it has been classified as a Variant of Uncertain Significance. This variant is not present in population databases (ExAC no frequency). This sequence change replaces cysteine with tyrosine at codon 4645 of the SYNE1 protein (p.Cys4645Tyr). The cysteine residue is highly conserved and there is a large physicochemical difference between cysteine and tyrosine. This variant has not been reported in the literature in individuals with SYNE1-related conditions. ClinVar contains an entry for this variant (Variation ID: 451683).